The following is an entry in ClinVar:

NM_014018.3(MRPS28):c.21C>T (p.Thr7=)

Genes: MRPS28 (mitochondrial ribosomal protein S28; minus strand), TPD52-MRPS28 (TPD52-MRPS28 readthrough; minus strand), LOC130000644 (ATAC-STARR-seq lymphoblastoid active region 27552; plus strand). Cytogenetic location: 8q21.13.
Variant type: single nucleotide variant.
Coding change: c.21C>T on transcript NM_014018.3 (MANE Select); coding-DNA position 21, C replaced by T.
Protein change: p.Thr7=; no amino-acid change (threonine 7 retained).
Molecular consequence: synonymous variant. On other transcripts: intron variant (1).
Genome position (GRCh38, 1-based): chr8:80,030,228, G>A on the plus strand (C>T on the coding strand, the complement: MRPS28 is on the minus strand). VCF-style: chr8-80030228-G-A. GRCh37 (hg19) VCF-style: chr8-80942463-G-A.
Other names: c.435+12392C>T (NM_001387778.1).
Identifiers: ClinVar variation 3025995 (VCV003025995.22), dbSNP rs144261435, ClinGen allele CA4790096.

ClinVar aggregate classification (germline): Likely benign (1 of 4 stars; one submission).

gnomAD v4.1: 55 of 1,613,990 alleles (0.0034%); highest among the groups gnomAD compares: East Asian, 0.0045%; no homozygotes.

Submission:

CeGaT Center for Human Genetics Tuebingen
Classification: Likely benign. Last evaluated: 2023-12-01. Review status: criteria provided, single submitter. Criteria: CeGaT Center For Human Genetics Tuebingen Variant Classification Criteria Version 2. Collection method: clinical testing. Allele origin: germline. Affected: yes. Observed: 1 variant allele.
Comment: MRPS28: BP4, BP7